The following is an entry in ClinVar:

ClinVar aggregate classification (germline): Pathogenic. Review status: reviewed by expert panel (3 of 4 stars). 5 submissions from 4 submitters: Pathogenic (1). 4 of the submissions do not count toward it. Last evaluated 2026-04-28.

Conditions:
ABCA4-related disorder. Also called: ABCA4-related condition; ABCA4-related disorders. Identifiers: MedGen CN239167.
Severe early-childhood-onset retinal dystrophy (STGD1). Also called: Stargardt macular dystrophy; Juvenile onset macular degeneration; Stargardt disease 1; STGD; MACULAR DYSTROPHY WITH FLECKS, TYPE 1. Identifiers: Orphanet 364055, Orphanet 827, MedGen C1855465, MeSH D000080362, MONDO:0009549, OMIM 248200.
ABCA4-related retinopathy. Also called: ABCA4-related retinoapthy; ABCA4 retinoapthy. Identifiers: MedGen CN322612, MONDO:0800406.
Retinal dystrophy. Also called: Inherited retinal dystrophy. Identifiers: Orphanet 71862, MedGen C0854723, MeSH D058499, MONDO:0019118, HP:0000556.

Submissions (5):

ClinGen ABCA4 Variant Curation Expert Panel, Clingen
Classification: Pathogenic for ABCA4-related retinopathy. Last evaluated: 2026-04-28. Review status: reviewed by expert panel. Criteria: ClinGen ABCA4 ACMG Specifications V1.0.0. Collection method: curation. Allele origin: germline. Inheritance: Autosomal recessive inheritance.
Comment: The NM_000350.3(ABCA4):c.4354G>T; p.Glu1452Ter variant in ABCA4 is a nonsense variant predicted to cause a premature stop codon in biologically relevant exon 30 of 50 leading to nonsense mediated decay in a gene in which loss-of-function is an established disease mechanism (PVS1). This variant is absent from gnomAD v4.1.0 (PM2_Supporting). This variant has been detected in at least one individual with ABCA4-related retinopathy who was compound heterozygous for the variant and a pathogenic variant with phase unconfirmed (PM3_Supporting, PMID: 37705246). In summary, this variant meets the criteria to be classified as pathogenic for ABCA4-related retinopathy based on the ACMG/AMP criteria applied, as specified by the ClinGen ABCA4 VCEP (Specification Version 1.0.0): PVS1, PM3_Supporting, PM2_Supporting.

Labcorp Genetics (formerly Invitae), Labcorp
Classification: Pathogenic. Last evaluated: 2025-06-04. Review status: criteria provided, single submitter. Criteria: Invitae Variant Classification Sherloc (09022015). Collection method: clinical testing. Allele origin: germline. Not counted in ClinVar's aggregate classification.
Comment: This sequence change creates a premature translational stop signal (p.Glu1452*) in the ABCA4 gene. It is expected to result in an absent or disrupted protein product. Loss-of-function variants in ABCA4 are known to be pathogenic (PMID: 10958761, 24938718, 25312043, 26780318). This variant is not present in population databases (gnomAD no frequency). This premature translational stop signal has been observed in individual(s) with Stargardt disease (PMID: 28118664). ClinVar contains an entry for this variant (Variation ID: 236114). Algorithms developed to predict the effect of sequence changes on RNA splicing suggest that this variant may create or strengthen a splice site. For these reasons, this variant has been classified as Pathogenic.

Blueprint Genetics
Classification: Likely pathogenic for ABCA4-related disorders. Last evaluated: 2022-09-05. Review status: criteria provided, single submitter. Criteria: ACMG Guidelines, 2015. Collection method: clinical testing. Allele origin: germline. Affected: yes. Observed: 1 variant allele. Not counted in ClinVar's aggregate classification.

Institute of Human Genetics, Univ. Regensburg, Univ. Regensburg
Classification: Pathogenic for Severe early-childhood-onset retinal dystrophy. Last evaluated: 2016-01-01. Review status: criteria provided, single submitter. Criteria: Schulz et al. (Invest Ophthalmol Vis Sci. 2017). Collection method: clinical testing, in vitro. Allele origin: germline, unknown. Affected: yes. Observed: 1 heterozygote. Functional consequence: sequence_variant_affecting_splicing. Not counted in ClinVar's aggregate classification.

Institute of Human Genetics, Univ. Regensburg, Univ. Regensburg
Classification: Pathogenic for Retinal dystrophy. Last evaluated: 2010-01-01. Review status: criteria provided, single submitter. Criteria: ACMG Guidelines, 2015. Collection method: clinical testing. Allele origin: germline. Affected: yes. Not counted in ClinVar's aggregate classification.

Literature cited by the submitters: PubMed 10958761 (cited by Labcorp Genetics (formerly Invitae), Labcorp); PubMed 24938718 (cited by Labcorp Genetics (formerly Invitae), Labcorp); PubMed 25312043 (cited by Labcorp Genetics (formerly Invitae), Labcorp); PubMed 26780318 (cited by Labcorp Genetics (formerly Invitae), Labcorp); PubMed 28118664 (cited by Labcorp Genetics (formerly Invitae), Labcorp and Institute of Human Genetics, Univ. Regensburg, Univ. Regensburg); PubMed 35260635 (cited by Institute of Human Genetics, Univ. Regensburg, Univ. Regensburg); PubMed 36460718 (cited by Institute of Human Genetics, Univ. Regensburg, Univ. Regensburg).

NM_000350.3(ABCA4):c.4354G>T (p.Glu1452Ter)

Gene: ABCA4 (ATP binding cassette subfamily A member 4; minus strand). Cytogenetic location: 1p22.1.
Variant type: single nucleotide variant.
Coding change: c.4354G>T on transcript NM_000350.3 (MANE Select); coding-DNA position 4354, G replaced by T.
Protein change: p.Glu1452Ter; replaces glutamic acid 1452 with a stop codon.
Molecular consequence: nonsense.
Genome position (GRCh38, 1-based): chr1:94,029,630, C>A on the plus strand (G>T on the coding strand, the complement: ABCA4 is on the minus strand). VCF-style: chr1-94029630-C-A. GRCh37 (hg19) VCF-style: chr1-94495186-C-A.
Other names: NM_000350.3(ABCA4):c.4354G>T; p.Glu1452Ter; c.4132G>T, p.Glu1378Ter (NM_001425324.1); short protein forms E1452*, E1378*.
Identifiers: ClinVar variation 236114 (VCV000236114.10), dbSNP rs886044742, ClinGen allele CA10602429.